The following is an entry in ClinVar:

ClinVar aggregate classification (oncogenicity): Likely oncogenic (1 of 4 stars; one submission).

Conditions:
Acute myeloid leukemia (AML). Also called: Acute myeloid leukemia, adult; AML adult; Acute non-lymphocytic leukemia; Acute granulocytic leukemia; Leukemia, acute myeloid, somatic; Leukemia, acute myelogenous, somatic. Identifiers: Orphanet 519, MedGen C0023467, MeSH D015470, MONDO:0018874, OMIM 601626, HP:0004808. Disease mechanism: Constitutively activated FLT3.

Submission:

Center for Virology of Infectious and Tropical Diseases (CVMIT), Mohammed V Military Teaching Hospital
Classification: Likely oncogenic for Acute myeloid leukemia. Last evaluated: 2026-10-16. Review status: criteria provided, single submitter. Criteria: ClinGen/CGC/VICC Guidelines for Oncogenicity, 2022. Collection method: research. Allele origin: somatic. Affected: yes. Observed: 1 variant allele.
Comment: PHF6 p.Ala224AspfsTer55. Oncogenicity classified with the ClinGen/CGC/VICC SOP (Horak et al. 2022, PMID:35101336). Criteria applied: OVS1: frameshift (p.Ala224AspfsTer55) truncating PHF6, an X-linked tumour suppressor with recurrent truncating variants in AML (PMID:21030981) and T-ALL (PMID:20228800). Total 8 points (Likely oncogenic). ClinVar at analysis (release 2022-07-09, used by Ion Reporter): not present. No current ClinVar record (consulted 2026-10-29).

Literature cited by the submitters: PubMed 21030981; PubMed 20228800.

NM_001015877.2(PHF6):c.671del (p.Ala224fs)

Gene: PHF6 (PHD finger protein 6; plus strand). Cytogenetic location: Xq26.2.
Variant type: Deletion.
Coding change: c.671del on transcript NM_001015877.2 (MANE Select); coding-DNA position 671, one base deleted (C; older notation c.671delC).
Protein change: p.Ala224fs; shifts the reading frame from alanine 224.
Molecular consequence: frameshift variant.
Genome position (GRCh38, 1-based): chrX:134,413,908, C deleted. VCF-style (leftmost placement, unchanged base first): chrX-134413907-GC-G. GRCh37 (hg19) VCF-style: chrX-133547937-GC-G.
Other names: c.674del, p.Ala225fs (NM_032335.3); c.671del, p.Ala224fs (NM_032458.3); short protein forms A224fs, A225fs.
Identifiers: ClinVar variation 5038031 (VCV005038031.1).